The following is an entry in ClinVar:

NM_006017.3(PROM1):c.1983+10A>G

Gene: PROM1 (prominin 1; minus strand). Cytogenetic location: 4p15.32.
Variant type: single nucleotide variant.
Coding change: c.1983+10A>G on transcript NM_006017.3 (MANE Select); 10 bases into the intron after coding-DNA position 1983, A replaced by G.
Molecular consequence: intron variant.
Genome position (GRCh38, 1-based): chr4:15,991,212, T>C on the plus strand (A>G on the coding strand, the complement: PROM1 is on the minus strand). VCF-style: chr4-15991212-T-C. GRCh37 (hg19) VCF-style: chr4-15992835-T-C.
Other names: c.1617+10A>G (NM_001441179.1); c.1872+10A>G (NM_001441174.1); c.1851+10A>G (NM_001441177.1); c.1884+1036A>G (NM_001441178.1); c.1956+10A>G (NM_001441176.1, NM_001441173.1, NM_001441175.1 and 7 more transcripts); c.1983+10A>G (NM_001145850.2, NM_001145849.2).
Identifiers: ClinVar variation 4987701 (VCV004987701.1).

ClinVar aggregate classification (germline): Likely benign (1 of 4 stars; one submission).

Conditions:
PROM1-related disorder. Also called: PROM1-related condition; PROM1-related disorders.

gnomAD v4.1: 45 of 1,602,210 alleles (0.0028%); highest among the groups gnomAD compares: Non-Finnish European, 0.0037%; no homozygotes.

Submission:

PreventionGenetics, part of Exact Sciences
Classification: Likely benign for PROM1-related condition. Last evaluated: 2025-08-10. Review status: criteria provided, single submitter. Criteria: ACMG Guidelines, 2015. Collection method: clinical testing. Allele origin: germline.
Comment: This variant is classified as likely benign based on ACMG/AMP sequence variant interpretation guidelines (Richards et al. 2015 PMID: 25741868, with internal and published modifications).